The following is an entry in ClinVar:

NM_005577.4(LPA):c.1063C>T (p.Pro355Ser)

Gene: LPA (lipoprotein(a); minus strand). Cytogenetic location: 6q26.
Variant type: single nucleotide variant.
Coding change: c.1063C>T on transcript NM_005577.4 (MANE Select); coding-DNA position 1063, C replaced by T.
Protein change: p.Pro355Ser; replaces proline 355 with serine.
Molecular consequence: missense variant.
Genome position (GRCh38, 1-based): chr6:160,635,135, G>A on the plus strand (C>T on the coding strand, the complement: LPA is on the minus strand). VCF-style: chr6-160635135-G-A. GRCh37 (hg19) VCF-style: chr6-161056167-G-A.
Other names: short protein forms P355S.
Identifiers: ClinVar variation 2657116 (VCV002657116.24), dbSNP rs62442779, ClinGen allele CA4087080.

ClinVar aggregate classification (germline): Likely benign (1 of 4 stars; one submission).

Allele frequency attached by ClinVar (database versions not stated): 1000 Genomes Project 30x 0.00125; gnomAD 0.00147; gnomAD exomes 0.00154; ExAC 0.00192.
gnomAD v4.1: 2,292 of 1,482,032 alleles (0.15%); highest among the groups gnomAD compares: Middle Eastern, 0.28%; 17 homozygotes.

Submission:

CeGaT Center for Human Genetics Tuebingen
Classification: Likely benign. Last evaluated: 2022-10-01. Review status: criteria provided, single submitter. Criteria: CeGaT Center For Human Genetics Tuebingen Variant Classification Criteria Version 2. Collection method: clinical testing. Allele origin: germline. Affected: yes. Observed: 1 variant allele.
Comment: LPA: BP4, BS2